The following is an entry in ClinVar:

ClinVar aggregate classification (germline): Benign/Likely benign. Review status: criteria provided, multiple submitters, no conflicts (2 of 4 stars). 4 submissions from 4 submitters: Benign (1); Likely benign (3). Last evaluated 2025-02-04.

Conditions:
Hereditary cancer-predisposing syndrome. Also called: Hereditary Cancer Syndrome; Hereditary neoplastic syndrome; Tumor predisposition; Neoplastic Syndromes, Hereditary. Identifiers: Orphanet 140162, MedGen C0027672, MeSH D009386, MONDO:0015356.
Hereditary nonpolyposis colorectal neoplasms. Identifiers: MedGen C0009405, MeSH D003123.
Lynch syndrome 4 (LYNCH4). Also called: Colorectal cancer, hereditary nonpolyposis, type 4; Hereditary non-polyposis colorectal cancer, type 4. Identifiers: Orphanet 144, MedGen C1838333, MONDO:0013699, OMIM 614337. Disease mechanism: loss of function.

Allele frequency attached by ClinVar (database versions not stated): gnomAD exomes below 0.00001; ExAC 0.00001.
gnomAD v4.1: 1 of 1,606,194 alleles (0.000062%); highest among the groups gnomAD compares: Non-Finnish European, 0.000085%; no homozygotes.

Submissions (4):

Myriad Genetics, Inc.
Classification: Benign for Lynch syndrome 4. Last evaluated: 2025-02-04. Review status: criteria provided, single submitter. Criteria: Myriad Autosomal Dominant, Autosomal Recessive and X-Linked Classification Criteria (2023). Collection method: clinical testing. Allele origin: unknown.
Comment: This variant is considered benign. This variant is a silent/synonymous amino acid change and it is not expected to impact splicing.

Labcorp Genetics (formerly Invitae), Labcorp
Classification: Likely benign for Hereditary nonpolyposis colorectal neoplasms. Last evaluated: 2024-12-21. Review status: criteria provided, single submitter. Criteria: Invitae Variant Classification Sherloc (09022015). Collection method: clinical testing. Allele origin: germline.

Color Diagnostics, LLC DBA Color Health
Classification: Likely benign for Hereditary cancer-predisposing syndrome. Last evaluated: 2022-06-06. Review status: criteria provided, single submitter. Criteria: ACMG Guidelines, 2015. Collection method: clinical testing. Allele origin: germline.

Ambry Genetics
Classification: Likely benign for Hereditary cancer-predisposing syndrome. Last evaluated: 2018-04-17. Review status: criteria provided, single submitter. Criteria: Ambry Variant Classification Scheme 2023. Collection method: clinical testing. Allele origin: germline.

NM_000535.7(PMS2):c.2352T>C (p.Asp784=)

Gene: PMS2 (PMS1 homolog 2, mismatch repair system component; minus strand). Cytogenetic location: 7p22.1.
Variant type: single nucleotide variant.
Coding change: c.2352T>C on transcript NM_000535.7 (MANE Select); coding-DNA position 2352, T replaced by C.
Protein change: p.Asp784=; no amino-acid change (aspartic acid 784 retained).
Molecular consequence: synonymous variant. On other transcripts: non-coding transcript variant (1).
Genome position (GRCh38, 1-based): chr7:5,977,681, A>G on the plus strand (T>C on the coding strand, the complement: PMS2 is on the minus strand). VCF-style: chr7-5977681-A-G. GRCh37 (hg19) VCF-style: chr7-6017312-A-G.
Other names: c.1947T>C, p.Asp649= (NM_001018040.1, NM_001322003.2, NM_001322004.2 and 12 more transcripts); c.2196T>C, p.Asp732= (NM_001322006.2); c.2034T>C, p.Asp678= (NM_001322007.2, NM_001322008.2, NM_001406883.1); c.1980T>C, p.Asp660= (NM_001322009.2, NM_001406887.1, NM_001406888.1); c.1791T>C, p.Asp597= (NM_001322010.2, NM_001406906.1, NM_001406907.1); c.1419T>C, p.Asp473= (NM_001322011.2, NM_001322012.2); c.1779T>C, p.Asp593= (NM_001322013.2, NM_001406908.1, NM_001406909.1); c.2385T>C, p.Asp795= (NM_001322014.2); and 20 more.
Identifiers: ClinVar variation 1790037 (VCV001790037.7), dbSNP rs758875280, ClinGen allele CA047828.